The following is an entry in ClinVar:

ClinVar aggregate classification (germline): Uncertain significance (1 of 4 stars; one submission).

Allele frequency attached by ClinVar (database versions not stated): gnomAD exomes below 0.00001; ExAC 0.00001.
gnomAD v4.1: 10 of 1,613,884 alleles (0.00062%); highest among the groups gnomAD compares: Non-Finnish European, 0.00076%; no homozygotes.

Submission:

GeneDx
Classification: Uncertain significance. Last evaluated: 2020-01-30. Review status: criteria provided, single submitter. Criteria: GeneDx Variant Classification Process June 2021. Collection method: clinical testing. Allele origin: germline. Affected: yes.
Comment: In silico analysis, which includes protein predictors and evolutionary conservation, supports a deleterious effect; Has not been previously published as pathogenic or benign to our knowledge

NM_003482.4(KMT2D):c.8986G>A (p.Asp2996Asn)

Gene: KMT2D (lysine methyltransferase 2D; minus strand). Cytogenetic location: 12q13.12.
Variant type: single nucleotide variant.
Coding change: c.8986G>A on transcript NM_003482.4 (MANE Select); coding-DNA position 8986, G replaced by A.
Protein change: p.Asp2996Asn; replaces aspartic acid 2996 with asparagine.
Molecular consequence: missense variant.
Genome position (GRCh38, 1-based): chr12:49,038,370, C>T on the plus strand (G>A on the coding strand, the complement: KMT2D is on the minus strand). VCF-style: chr12-49038370-C-T. GRCh37 (hg19) VCF-style: chr12-49432153-C-T.
Other names: short protein forms D2996N.
Identifiers: ClinVar variation 1312181 (VCV001312181.2), dbSNP rs756641752, ClinGen allele CA6546759.